The following is an entry in ClinVar:

NM_006231.4(POLE):c.166C>T (p.Pro56Ser)

Gene: POLE (DNA polymerase epsilon, catalytic subunit; minus strand). Cytogenetic location: 12q24.33.
Variant type: single nucleotide variant.
Coding change: c.166C>T on transcript NM_006231.4 (MANE Select); coding-DNA position 166, C replaced by T.
Protein change: p.Pro56Ser; replaces proline 56 with serine.
Molecular consequence: missense variant.
Genome position (GRCh38, 1-based): chr12:132,681,176, G>A on the plus strand (C>T on the coding strand, the complement: POLE is on the minus strand). VCF-style: chr12-132681176-G-A. GRCh37 (hg19) VCF-style: chr12-133257762-G-A.
Other names: short protein forms P56S.
Identifiers: ClinVar variation 1777651 (VCV001777651.3), dbSNP rs2136033888, ClinGen allele CA387369853.
Genomic context (GRCh38, chr12:132,681,176, plus strand): 5'-GGGAGAAGGACCTAGTGCTTACAGGATGCATGTTAATGAGCCAGCCTGTCTTCTCACCAG[G>A]CTCCTTCAGCCGCTCAAAACCAAACCGCAAATCCATCTTATCCGTCCACTGACTCCGTTC-3'
Protein context (NP_006222.2, residues 46-66): LRFGFERLKE[Pro56Ser]GEKTGWLINM

ClinVar aggregate classification (germline): Uncertain significance. Review status: criteria provided, multiple submitters, no conflicts (2 of 4 stars). 2 submissions from 2 submitters: Uncertain significance (2). Last evaluated 2025-08-04.

Conditions:
Hereditary cancer-predisposing syndrome. Also called: Neoplastic Syndromes, Hereditary; Tumor predisposition; Hereditary Cancer Syndrome; Hereditary neoplastic syndrome. Identifiers: Orphanet 140162, MedGen C0027672, MeSH D009386, MONDO:0015356.

Allele frequency attached by ClinVar (database versions not stated): gnomAD exomes below 0.00001.
gnomAD v4.1: 4 of 1,614,012 alleles (0.00025%); highest among the groups gnomAD compares: Non-Finnish European, 0.00034%; no homozygotes.

Submissions (2):

Labcorp Genetics (formerly Invitae), Labcorp
Classification: Uncertain significance. Last evaluated: 2025-08-04. Review status: criteria provided, single submitter. Criteria: Invitae Variant Classification Sherloc (09022015). Collection method: clinical testing. Allele origin: germline.
Comment: This sequence change replaces proline, which is neutral and non-polar, with serine, which is neutral and polar, at codon 56 of the POLE protein (p.Pro56Ser). This variant is not present in population databases (gnomAD no frequency). This variant has not been reported in the literature in individuals affected with POLE-related conditions. ClinVar contains an entry for this variant (Variation ID: 1777651). Invitae Evidence Modeling of protein sequence and biophysical properties (such as structural, functional, and spatial information, amino acid conservation, physicochemical variation, residue mobility, and thermodynamic stability) indicates that this missense variant is not expected to disrupt POLE protein function with a negative predictive value of 80%. In summary, the available evidence is currently insufficient to determine the role of this variant in disease. Therefore, it has been classified as a Variant of Uncertain Significance.

Ambry Genetics
Classification: Uncertain significance for Hereditary cancer-predisposing syndrome. Last evaluated: 2021-06-28. Review status: criteria provided, single submitter. Criteria: Ambry Variant Classification Scheme 2023. Collection method: clinical testing. Allele origin: germline.
Comment: The p.P56S variant (also known as c.166C>T), located in coding exon 2 of the POLE gene, results from a C to T substitution at nucleotide position 166. The proline at codon 56 is replaced by serine, an amino acid with similar properties. This amino acid position is conserved. In addition, this alteration is predicted to be tolerated by in silico analysis. Since supporting evidence is limited at this time, the clinical significance of this alteration remains unclear.